The following is an entry in ClinVar:

ClinVar aggregate classification (germline): Uncertain significance (1 of 4 stars; one submission).

Allele frequency attached by ClinVar (database versions not stated): gnomAD 0.00001; TOPMed 0.00002.
gnomAD v4.1: 1 of 1,614,054 alleles (0.000062%); highest among the groups gnomAD compares: Non-Finnish European, 0.000085%; no homozygotes.

Submission:

Women's Health and Genetics/Laboratory Corporation of America, LabCorp
Classification: Uncertain significance. Last evaluated: 2024-01-19. Review status: criteria provided, single submitter. Criteria: LabCorp Variant Classification Summary - May 2015. Collection method: clinical testing. Allele origin: germline.
Comment: Variant summary: TRIP12 c.6134G>C (p.Ser2045Thr) results in a conservative amino acid change in the encoded protein sequence. Four of four in-silico tools predict a benign effect of the variant on protein function. The variant allele was found at a frequency of 3.2e-05 in 31410 control chromosomes. The available data on variant occurrences in the general population are insufficient to allow any conclusion about variant significance. To our knowledge, no occurrence of c.6134G>C in individuals affected with Clark-Baraitser Syndrome and no experimental evidence demonstrating its impact on protein function have been reported. No submitters have cited clinical-significance assessments for this variant to ClinVar. Based on the evidence outlined above, the variant was classified as uncertain significance.

NM_001348323.3(TRIP12):c.6134G>C (p.Ser2045Thr)

Gene: TRIP12 (thyroid hormone receptor interactor 12; minus strand). Cytogenetic location: 2q36.3.
Variant type: single nucleotide variant.
Coding change: c.6134G>C on transcript NM_001348323.3 (MANE Select); coding-DNA position 6134, G replaced by C.
Protein change: p.Ser2045Thr; replaces serine 2045 with threonine.
Molecular consequence: missense variant.
Genome position (GRCh38, 1-based): chr2:229,767,624, C>G on the plus strand (G>C on the coding strand, the complement: TRIP12 is on the minus strand). VCF-style: chr2-229767624-C-G. GRCh37 (hg19) VCF-style: chr2-230632340-C-G.
Other names: c.6053G>C, p.Ser2018Thr (NM_001284214.2, NM_001348315.2); c.6008G>C, p.Ser2003Thr (NM_001284215.2, NM_001348316.2); c.5099G>C, p.Ser1700Thr (NM_001284216.2); c.5993G>C, p.Ser1998Thr (NM_001348317.1, NM_001348318.2); c.6119G>C, p.Ser2040Thr (NM_001348319.1, NM_001348320.2); c.6122G>C, p.Ser2041Thr (NM_001348321.1); c.6134G>C, p.Ser2045Thr (NM_001348322.1, NM_001348324.2, NM_001348325.2 and 2 more transcripts); c.6137G>C, p.Ser2046Thr (NM_001348328.1, NM_001348329.2, NM_001348330.2); and 4 more; short protein forms S1700T, S1970T, S1971T, S1998T, S2003T, S2011T, S2018T, S2019T.
Identifiers: ClinVar variation 3063986 (VCV003063986.1), dbSNP rs1376185843, ClinGen allele CA350882008.
Genomic context (GRCh38, chr2:229,767,624, plus strand): 5'-TGGAACGACTGCTGCCCTTCTCTTGCTGCTATCAACAGTTTTTCACGCATTATCTCAATG[C>G]TTGAATAGTCCGGCAACTTAAGATAGTTCACACAAGTCATTACAGAGGGCAAGAAGTCAT-3'
Protein context (NP_001335252.1, residues 2035-2055): VNYLKLPDYS[Ser2045Thr]IEIMREKLLI